The following is an entry in ClinVar:

NM_001271938.2(MEGF8):c.6641+9G>A

Gene: MEGF8 (multiple EGF like domains 8; plus strand). Cytogenetic location: 19q13.2.
Variant type: single nucleotide variant.
Coding change: c.6641+9G>A on transcript NM_001271938.2 (MANE Select); 9 bases into the intron after coding-DNA position 6641, G replaced by A.
Molecular consequence: intron variant.
Genome position (GRCh38, 1-based): chr19:42,369,011, G>A. VCF-style: chr19-42369011-G-A. GRCh37 (hg19) VCF-style: chr19-42873163-G-A.
Other names: c.6440+9G>A (NM_001410.3).
Identifiers: ClinVar variation 473340 (VCV000473340.14), dbSNP rs112519292, ClinGen allele CA9475921.

ClinVar aggregate classification (germline): Benign/Likely benign. Review status: criteria provided, multiple submitters, no conflicts (2 of 4 stars). 3 submissions from 3 submitters: Benign (1); Likely benign (1). 1 of the submissions does not count toward it. Last evaluated 2025-12-30.

Conditions:
MEGF8-related disorder. Also called: MEGF8-related condition.
MEGF8-related Carpenter syndrome. Also called: Carpenter syndrome 2. Identifiers: Orphanet 65759, MedGen C3554247, MONDO:0013998, OMIM 614976.

Allele frequency attached by ClinVar (database versions not stated): gnomAD exomes 0.00016; gnomAD 0.00137 and 0.00145; ESP Exome Variant Server 0.00146; TOPMed 0.00149; 1000 Genomes Project 0.00260; 1000 Genomes Project 30x 0.00265.
gnomAD v4.1: 470 of 1,612,422 alleles (0.029%); highest among the groups gnomAD compares: African/African-American, 0.46%; 2 homozygotes.

Submissions (3):

Labcorp Genetics (formerly Invitae), Labcorp
Classification: Benign for MEGF8-related Carpenter syndrome. Last evaluated: 2025-12-30. Review status: criteria provided, single submitter. Criteria: Invitae Variant Classification Sherloc (09022015). Collection method: clinical testing. Allele origin: germline.

Blueprint Genetics
Classification: Likely benign. Last evaluated: 2024-10-15. Review status: criteria provided, single submitter. Criteria: ACMG Guidelines, 2015. Collection method: clinical testing. Allele origin: germline.

PreventionGenetics, part of Exact Sciences
Classification: Likely benign for MEGF8-related condition. Last evaluated: 2019-10-16. Review status: no assertion criteria provided. Collection method: clinical testing. Allele origin: germline. Not counted in ClinVar's aggregate classification.
Comment: This variant is classified as likely benign based on ACMG/AMP sequence variant interpretation guidelines (Richards et al. 2015 PMID: 25741868, with internal and published modifications).